The following is an entry in ClinVar:

NM_020928.2(ZSWIM6):c.1663G>A (p.Asp555Asn)

Gene: ZSWIM6 (zinc finger SWIM-type containing 6; plus strand). Cytogenetic location: 5q12.1.
Variant type: single nucleotide variant.
Coding change: c.1663G>A on transcript NM_020928.2 (MANE Select); coding-DNA position 1663, G replaced by A.
Protein change: p.Asp555Asn; replaces aspartic acid 555 with asparagine.
Molecular consequence: missense variant.
Genome position (GRCh38, 1-based): chr5:61,525,949, G>A. VCF-style: chr5-61525949-G-A. GRCh37 (hg19) VCF-style: chr5-60821776-G-A.
Other names: short protein forms D555N.
Identifiers: ClinVar variation 2417796 (VCV002417796.6), dbSNP rs377616431, ClinGen allele CA3278370.

ClinVar aggregate classification (germline): Uncertain significance (1 of 4 stars; one submission).

Allele frequency attached by ClinVar (database versions not stated): gnomAD 0.00001; TOPMed 0.00002; ExAC 0.00004; ESP Exome Variant Server 0.00022.
gnomAD v4.1: 6 of 1,551,946 alleles (0.00039%); highest among the groups gnomAD compares: Non-Finnish European, 0.00052%; no homozygotes.

Submission:

Labcorp Genetics (formerly Invitae), Labcorp
Classification: Uncertain significance. Last evaluated: 2025-06-15. Review status: criteria provided, single submitter. Criteria: Invitae Variant Classification Sherloc (09022015). Collection method: clinical testing. Allele origin: germline.
Comment: This sequence change replaces aspartic acid, which is acidic and polar, with asparagine, which is neutral and polar, at codon 555 of the ZSWIM6 protein (p.Asp555Asn). This variant is present in population databases (rs377616431, gnomAD 0.005%). This variant has not been reported in the literature in individuals affected with ZSWIM6-related conditions. ClinVar contains an entry for this variant (Variation ID: 2417796). An algorithm developed to predict the effect of missense changes on protein structure and function (PolyPhen-2) suggests that this variant is likely to be tolerated. In summary, the available evidence is currently insufficient to determine the role of this variant in disease. Therefore, it has been classified as a Variant of Uncertain Significance.